The following is an entry in ClinVar:

NM_003024.3(ITSN1):c.2789A>G (p.Asn930Ser)

Gene: ITSN1 (intersectin 1; plus strand). Cytogenetic location: 21q22.11.
Variant type: single nucleotide variant.
Coding change: c.2789A>G on transcript NM_003024.3 (MANE Select); coding-DNA position 2789, A replaced by G.
Protein change: p.Asn930Ser; replaces asparagine 930 with serine.
Molecular consequence: missense variant.
Genome position (GRCh38, 1-based): chr21:33,818,328, A>G. VCF-style: chr21-33818328-A-G. GRCh37 (hg19) VCF-style: chr21-35190632-A-G.
Other names: c.2789A>G, p.Asn930Ser (NM_001001132.2, NM_001331008.2); c.2774A>G, p.Asn925Ser (NM_001331009.2, NM_001331010.2, NM_001331011.2); c.2663A>G, p.Asn888Ser (NM_001331012.2); short protein forms N888S, N925S, N930S.
Identifiers: ClinVar variation 2578123 (VCV002578123.2), dbSNP rs1049483014, ClinGen allele CA320202224.
Genomic context (GRCh38, chr21:33,818,328, plus strand): 5'-GTGAAAAGGTGGAGGGGCTACAAGCTCAAGCCCTATATCCTTGGAGAGCCAAAAAAGACA[A>G]CCACTTAAATTTTAACAAAAATGATGTCATCACCGTCCTGGAACAGCAAGACATGTGGTG-3'
Protein context (NP_003015.2, residues 920-940): ALYPWRAKKD[Asn930Ser]HLNFNKNDVI

ClinVar aggregate classification (germline): Uncertain significance (1 of 4 stars; one submission).

Allele frequency attached by ClinVar (database versions not stated): TOPMed 0.00001.

Submission:

GeneDx
Classification: Uncertain significance. Last evaluated: 2025-06-17. Review status: criteria provided, single submitter. Criteria: GeneDx Variant Classification Process June 2021. Collection method: clinical testing. Allele origin: germline. Affected: yes.
Comment: Not observed at significant frequency in large population cohorts (gnomAD); In silico analysis supports that this missense variant has a deleterious effect on protein structure/function; Has not been previously published as pathogenic or benign to our knowledge